The following is an entry in ClinVar:

NC_000001.10:g.(?_210856623)_(211307287_?)dup

Gene: KCNH1 (potassium voltage-gated channel subfamily H member 1; minus strand). Cytogenetic location: 1q32.2.
Variant type: Duplication.
Identifiers: ClinVar variation 3248030 (VCV003248030.1).

ClinVar aggregate classification (germline): Uncertain significance (1 of 4 stars; one submission).

Submission:

Labcorp Genetics (formerly Invitae), Labcorp
Classification: Uncertain significance. Last evaluated: 2023-06-04. Review status: criteria provided, single submitter. Criteria: Invitae Variant Classification Sherloc (09022015). Collection method: clinical testing. Allele origin: unknown.
Comment: A copy number gain of the genomic region encompassing the full coding sequence of the KCNH1 gene has been identified. The boundaries of this event are unknown as they extend beyond the assayed region for this gene and therefore may encompass additional genes. As the precise location of this event is unknown, it may be in tandem or it may be located elsewhere in the genome. In summary, the available evidence is currently insufficient to determine the role of this variant in disease. Therefore, it has been classified as a Variant of Uncertain Significance. This variant has not been reported in the literature in individuals affected with KCNH1-related conditions.